The following is an entry in ClinVar:

NM_001458.5(FLNC):c.7138G>A (p.Asp2380Asn)

Genes: FLNC-AS1 (FLNC antisense RNA 1; minus strand), FLNC (filamin C; plus strand). Cytogenetic location: 7q32.1.
Variant type: single nucleotide variant.
Coding change: c.7138G>A on transcript NM_001458.5 (MANE Select); coding-DNA position 7138, G replaced by A.
Protein change: p.Asp2380Asn; replaces aspartic acid 2380 with asparagine.
Molecular consequence: missense variant.
Genome position (GRCh38, 1-based): chr7:128,855,201, G>A. VCF-style: chr7-128855201-G-A. GRCh37 (hg19) VCF-style: chr7-128495255-G-A.
Other names: c.7039G>A, p.Asp2347Asn (NM_001127487.2); short protein forms D2347N, D2380N.
Identifiers: ClinVar variation 1483703 (VCV001483703.6), dbSNP rs1334300883, ClinGen allele CA369215507.
Genomic context (GRCh38, chr7:128,855,201, plus strand): 5'-GGCTCCCGCCCTGCCAACCTCCATCCCGGAACCTGTGCTGACTGGTCTCTCTCCCCAGGT[G>A]ACTATGAGGTCTCCATCAAGTTCAATGATGAGCACATCCCAGACAGCCCCTTTGTGGTGC-3'
Protein context (NP_001449.3, residues 2370-2390): GVSYVVQEPG[Asp2380Asn]YEVSIKFNDE

ClinVar aggregate classification (germline): Uncertain significance (1 of 4 stars; one submission).

Conditions:
Myofibrillar myopathy 5. Also called: FILAMINOPATHY, AUTOSOMAL DOMINANT; Filaminopathy (type). Identifiers: Orphanet 171445, MedGen C1836050, MONDO:0012289, OMIM 609524.
Distal myopathy with posterior leg and anterior hand involvement. Also called: WILLIAMS DISTAL MYOPATHY. Identifiers: Orphanet 63273, MedGen C3279722, MONDO:0013550, OMIM 614065.
Hypertrophic cardiomyopathy 26. Also called: Cardiomyopathy, familial hypertrophic, 26. Identifiers: Orphanet 75249, MedGen C4310749, MONDO:0014883, OMIM 617047.

Submission:

Labcorp Genetics (formerly Invitae), Labcorp
Classification: Uncertain significance for Distal myopathy with posterior leg and anterior hand involvement; Myofibrillar myopathy 5; Hypertrophic cardiomyopathy 26. Last evaluated: 2021-10-22. Review status: criteria provided, single submitter. Criteria: Invitae Variant Classification Sherloc (09022015). Collection method: clinical testing. Allele origin: germline.
Comment: In summary, the available evidence is currently insufficient to determine the role of this variant in disease. Therefore, it has been classified as a Variant of Uncertain Significance. Algorithms developed to predict the effect of missense changes on protein structure and function are either unavailable or do not agree on the potential impact of this missense change (SIFT: "Deleterious"; PolyPhen-2: "Benign"; Align-GVGD: "Class C0"). This variant has not been reported in the literature in individuals affected with FLNC-related conditions. This variant is not present in population databases (ExAC no frequency). This sequence change replaces aspartic acid with asparagine at codon 2380 of the FLNC protein (p.Asp2380Asn). The aspartic acid residue is highly conserved and there is a small physicochemical difference between aspartic acid and asparagine.